The following is an entry in ClinVar:

NM_001044385.3(TMEM237):c.175C>T (p.Arg59Ter)

Gene: TMEM237 (transmembrane protein 237; minus strand). Cytogenetic location: 2q33.1.
Variant type: single nucleotide variant.
Coding change: c.175C>T on transcript NM_001044385.3 (MANE Select); coding-DNA position 175, C replaced by T.
Protein change: p.Arg59Ter; replaces arginine 59 with a stop codon.
Molecular consequence: nonsense.
Genome position (GRCh38, 1-based): chr2:201,636,847, G>A on the plus strand (C>T on the coding strand, the complement: TMEM237 is on the minus strand). VCF-style: chr2-201636847-G-A. GRCh37 (hg19) VCF-style: chr2-202501570-G-A.
Other names: c.151C>T, p.Arg51Ter (NM_152388.4); short protein forms R51*, R59*.
Identifiers: ClinVar variation 1451775 (VCV001451775.7), dbSNP rs902145121, ClinGen allele CA63958480.

ClinVar aggregate classification (germline): Pathogenic/Likely pathogenic. Review status: criteria provided, multiple submitters, no conflicts (2 of 4 stars). 2 submissions from 2 submitters: Pathogenic (1); Likely pathogenic (1). Last evaluated 2025-02-19.

Conditions:
Joubert syndrome 14 (JBTS14). Identifiers: MedGen C3280766, MONDO:0013745, OMIM 614424.

Allele frequency attached by ClinVar (database versions not stated): TOPMed 0.00001.
gnomAD v4.1: 7 of 1,607,372 alleles (0.00044%); highest among the groups gnomAD compares: South Asian, 0.0022%; no homozygotes.

Submissions (2):

Labcorp Genetics (formerly Invitae), Labcorp
Classification: Pathogenic for Joubert syndrome 14. Last evaluated: 2025-02-19. Review status: criteria provided, single submitter. Criteria: Invitae Variant Classification Sherloc (09022015). Collection method: clinical testing. Allele origin: germline.
Comment: This sequence change creates a premature translational stop signal (p.Arg59*) in the TMEM237 gene. It is expected to result in an absent or disrupted protein product. Loss-of-function variants in TMEM237 are known to be pathogenic (PMID: 22152675). This variant is not present in population databases (gnomAD no frequency). This premature translational stop signal has been observed in individual(s) with Joubert syndrome (PMID: 34839509). ClinVar contains an entry for this variant (Variation ID: 1451775). For these reasons, this variant has been classified as Pathogenic.

Fulgent Genetics
Classification: Likely pathogenic for Joubert syndrome 14. Last evaluated: 2024-04-23. Review status: criteria provided, single submitter. Criteria: ACMG Guidelines, 2015. Collection method: clinical testing. Allele origin: germline.

Literature cited by the submitters: PubMed 22152675 (cited by Labcorp Genetics (formerly Invitae), Labcorp); PubMed 34839509 (cited by Labcorp Genetics (formerly Invitae), Labcorp).